The following is an entry in ClinVar:

NM_201384.3(PLEC):c.13097C>T (p.Thr4366Ile)

Gene: PLEC (plectin; minus strand). Cytogenetic location: 8q24.3.
Variant type: single nucleotide variant.
Coding change: c.13097C>T on transcript NM_201384.3 (MANE Select); coding-DNA position 13097, C replaced by T.
Protein change: p.Thr4366Ile; replaces threonine 4366 with isoleucine.
Molecular consequence: missense variant.
Genome position (GRCh38, 1-based): chr8:143,916,724, G>A on the plus strand (C>T on the coding strand, the complement: PLEC is on the minus strand). VCF-style: chr8-143916724-G-A. GRCh37 (hg19) VCF-style: chr8-144990892-G-A.
Other names: c.13178C>T (NM_000445.3); c.13178C>T, p.Thr4393Ile (NM_000445.5); c.13055C>T, p.Thr4352Ile (NM_201378.4); c.13031C>T, p.Thr4344Ile (NM_201379.3); c.13508C>T, p.Thr4503Ile (NM_201380.4); c.13001C>T, p.Thr4334Ile (NM_201381.3); c.13097C>T, p.Thr4366Ile (NM_201382.4); c.13109C>T, p.Thr4370Ile (NM_201383.3); short protein forms T4334I, T4352I, T4366I, T4344I, T4370I, T4393I, T4503I.
Identifiers: ClinVar variation 471539 (VCV000471539.17), dbSNP rs200807583, ClinGen allele CA4923903.

ClinVar aggregate classification (germline): Conflicting classifications of pathogenicity. Review status: criteria provided, conflicting classifications (1 of 4 stars). 4 submissions from 4 submitters: Uncertain significance (2); Likely benign (2). Last evaluated 2026-05-16.

Conditions:
PLEC-related disorder. Also called: PLEC-related disorders; PLEC-related condition.
Autosomal recessive limb-girdle muscular dystrophy type 2Q (LGMDR17). Also called: MUSCULAR DYSTROPHY, LIMB-GIRDLE, AUTOSOMAL RECESSIVE 17. Identifiers: Orphanet 254361, MedGen C3150989, MONDO:0013390, OMIM 613723.
Epidermolysis bullosa simplex with nail dystrophy (EBS5D). Identifiers: MedGen C4225309, MONDO:0014661, OMIM 616487.
Epidermolysis bullosa simplex 5C, with pyloric atresia (EBS5C). Also called: PLEC-Related Epidermolysis Bullosa with Pyloric Atresia; Epidermolysis bullosa simplex with pyloric atresia; PLEC1-Related Epidermolysis Bullosa with Pyloric Atresia. Identifiers: Orphanet 158684, MedGen C2677349, MONDO:0012807, OMIM 612138.
Epidermolysis bullosa simplex, Ogna type (EBS5A). Also called: Pidermolysis bullosa simplex 5A, Ogna type; EPIDERMOLYSIS BULLOSA SIMPLEX 5A, OGNA TYPE. Identifiers: Orphanet 79401, MedGen C0432317, MONDO:0007555, OMIM 131950.
Epidermolysis bullosa simplex 5B, with muscular dystrophy (EBS5B). Also called: EPIDERMOLYSIS BULLOSA SIMPLEX AND LIMB-GIRDLE MUSCULAR DYSTROPHY; Epidermolysis bullosa simplex with muscular dystrophy. Identifiers: Orphanet 257, MedGen C2931072, MONDO:0009181, OMIM 226670.
Inborn genetic diseases. Identifiers: MedGen C0950123, MeSH D030342.

Allele frequency attached by ClinVar (database versions not stated): gnomAD 0.00007 and 0.00009; TOPMed 0.00009; ESP Exome Variant Server 0.00016.
gnomAD v4.1: 97 of 1,612,918 alleles (0.006%); highest among the groups gnomAD compares: Non-Finnish European, 0.0019%; no homozygotes.

Submissions (4):

PreventionGenetics, part of Exact Sciences
Classification: Likely benign for PLEC-related condition. Last evaluated: 2026-05-16. Review status: criteria provided, single submitter. Criteria: ACMG Guidelines, 2015. Collection method: clinical testing. Allele origin: germline.
Comment: This variant is classified as likely benign based on ACMG/AMP sequence variant interpretation guidelines (Richards et al. 2015 PMID: 25741868, with internal and published modifications).

Labcorp Genetics (formerly Invitae), Labcorp
Classification: Likely benign for Autosomal recessive limb-girdle muscular dystrophy type 2Q; Epidermolysis bullosa simplex, Ogna type; Epidermolysis bullosa simplex with nail dystrophy; Epidermolysis bullosa simplex 5C, with pyloric atresia; Epidermolysis bullosa simplex 5B, with muscular dystrophy. Last evaluated: 2025-12-22. Review status: criteria provided, single submitter. Criteria: Invitae Variant Classification Sherloc (09022015). Collection method: clinical testing. Allele origin: germline.

Ambry Genetics
Classification: Uncertain significance for Inborn genetic diseases. Last evaluated: 2022-11-21. Review status: criteria provided, single submitter. Criteria: Ambry Variant Classification Scheme 2023. Collection method: clinical testing. Allele origin: germline.

Eurofins Ntd Llc (ga)
Classification: Uncertain significance. Last evaluated: 2018-07-11. Review status: criteria provided, single submitter. Criteria: EGL ClinVar v180209 classification definitions. Collection method: clinical testing. Allele origin: germline. Observed: 1 variant allele, 1 heterozygote.